The following is an entry in ClinVar:

NM_000246.4(CIITA):c.2516G>A (p.Arg839His)

Gene: CIITA (class II major histocompatibility complex transactivator; plus strand). Cytogenetic location: 16p13.13.
Variant type: single nucleotide variant.
Coding change: c.2516G>A on transcript NM_000246.4 (MANE Select); coding-DNA position 2516, G replaced by A.
Protein change: p.Arg839His; replaces arginine 839 with histidine.
Molecular consequence: missense variant. On other transcripts: intron variant (1).
Genome position (GRCh38, 1-based): chr16:10,908,008, G>A. VCF-style: chr16-10908008-G-A. GRCh37 (hg19) VCF-style: chr16-11001865-G-A.
Other names: c.2519G>A, p.Arg840His (NM_001286402.1, NM_001379332.1); c.2372G>A, p.Arg791His (NM_001379330.1); c.2369G>A, p.Arg790His (NM_001379331.1); c.2516G>A, p.Arg839His (NM_001379333.1); c.2447G>A, p.Arg816His (NM_001379334.1); c.860-975G>A (NM_001286403.2); short protein forms R790H, R791H, R839H, R840H, R816H.
Identifiers: ClinVar variation 1990151 (VCV001990151.1), dbSNP rs377484288, ClinGen allele CA7900395.

ClinVar aggregate classification (germline): Uncertain significance (1 of 4 stars; one submission).

Conditions:
MHC class II deficiency. Also called: Bare lymphocyte syndrome 2; BLS, TYPE II. Identifiers: Orphanet 572, MedGen C5447452, MONDO:0008855.

Allele frequency attached by ClinVar (database versions not stated): gnomAD exomes 0.00001; TOPMed 0.00003; ExAC 0.00004; gnomAD 0.00004; ESP Exome Variant Server 0.00008.
gnomAD v4.1: 24 of 1,599,596 alleles (0.0015%); highest among the groups gnomAD compares: African/African-American, 0.0067%; no homozygotes.

Submission:

Labcorp Genetics (formerly Invitae), Labcorp
Classification: Uncertain significance for MHC class II deficiency. Last evaluated: 2022-06-20. Review status: criteria provided, single submitter. Criteria: Invitae Variant Classification Sherloc (09022015). Collection method: clinical testing. Allele origin: germline.
Comment: This sequence change replaces arginine, which is basic and polar, with histidine, which is basic and polar, at codon 839 of the CIITA protein (p.Arg839His). This variant is present in population databases (rs377484288, gnomAD 0.01%). This variant has not been reported in the literature in individuals affected with CIITA-related conditions. Algorithms developed to predict the effect of missense changes on protein structure and function are either unavailable or do not agree on the potential impact of this missense change (SIFT: "Tolerated"; PolyPhen-2: "Probably Damaging"; Align-GVGD: "Class C0"). In summary, the available evidence is currently insufficient to determine the role of this variant in disease. Therefore, it has been classified as a Variant of Uncertain Significance.